The following is an entry in ClinVar:

ClinVar aggregate classification (germline): Benign. Review status: criteria provided, multiple submitters, no conflicts (2 of 4 stars). 3 submissions from 3 submitters: Benign (2). 1 of the submissions does not count toward it. Last evaluated 2025-06-02.

Conditions:
LRRK2-related disorder. Also called: LRRK2-related condition.
Autosomal dominant Parkinson disease 8. Also called: LRRK2-Related Parkinson Disease; Parkinson disease 8; Parkinson disease 8, susceptibility to. Identifiers: Orphanet 411602, MedGen C1846862, MONDO:0011764, OMIM 607060.

Allele frequency attached by ClinVar (database versions not stated): 1000 Genomes Project 0.00080; TOPMed 0.00002; gnomAD exomes 0.00032; gnomAD 0.00009 and 0.00001; ExAC 0.00035; 1000 Genomes Project 30x 0.00062.

Submissions (3):

Labcorp Genetics (formerly Invitae), Labcorp
Classification: Benign for Autosomal dominant Parkinson disease 8. Last evaluated: 2025-06-02. Review status: criteria provided, single submitter. Criteria: Invitae Variant Classification Sherloc (09022015). Collection method: clinical testing. Allele origin: germline.

Illumina Laboratory Services, Illumina
Classification: Benign for Autosomal dominant Parkinson disease 8. Last evaluated: 2017-10-30. Review status: criteria provided, single submitter. Criteria: ICSL Variant Classification Criteria 13 December 2019. Collection method: clinical testing. Allele origin: germline.
Comment: This variant was observed as part of a predisposition screen in an ostensibly healthy population. A literature search was performed for the gene, cDNA change, and amino acid change (where applicable). No publications were found based on this search. Allele frequency data from public databases was too high to be consistent with this variant causing disease. Therefore, this variant is classified as benign.

PreventionGenetics, part of Exact Sciences
Classification: Likely benign for LRRK2-related condition. Last evaluated: 2019-03-01. Review status: no assertion criteria provided. Collection method: clinical testing. Allele origin: germline. Not counted in ClinVar's aggregate classification.
Comment: This variant is classified as likely benign based on ACMG/AMP sequence variant interpretation guidelines (Richards et al. 2015 PMID: 25741868, with internal and published modifications).

NM_198578.4(LRRK2):c.3496+9T>G

Gene: LRRK2 (leucine rich repeat kinase 2; plus strand). Cytogenetic location: 12q12.
Variant type: single nucleotide variant.
Coding change: c.3496+9T>G on transcript NM_198578.4 (MANE Select); 9 bases into the intron after coding-DNA position 3496, T replaced by G.
Molecular consequence: intron variant.
Genome position (GRCh38, 1-based): chr12:40,299,266, T>G. VCF-style: chr12-40299266-T-G. GRCh37 (hg19) VCF-style: chr12-40693068-T-G.
Identifiers: ClinVar variation 767350 (VCV000767350.14), dbSNP rs560559629, ClinGen allele CA6513910.